The following is an entry in ClinVar:

NM_000209.4(PDX1):c.653del (p.Gly218fs)

Gene: PDX1 (pancreatic and duodenal homeobox 1; plus strand). Cytogenetic location: 13q12.2.
Variant type: Deletion.
Coding change: c.653del on transcript NM_000209.4 (MANE Select); coding-DNA position 653, one base deleted (G; older notation c.653delG).
Protein change: p.Gly218fs; shifts the reading frame from glycine 218.
Molecular consequence: frameshift variant.
Genome position (GRCh38, 1-based): chr13:27,924,502, G deleted; the last of 2 consecutive G bases (chr13:27,924,501-27,924,502); deleting either gives the same sequence. VCF-style (leftmost placement, unchanged base first): chr13-27924500-TG-T. GRCh37 (hg19) VCF-style: chr13-28498637-TG-T.
Other names: short protein forms G218fs.
Identifiers: ClinVar variation 2635693 (VCV002635693.1), dbSNP rs2500206718, ClinGen allele CA2695199241.

ClinVar aggregate classification (germline): Likely pathogenic (1 of 4 stars; one submission).

Conditions:
PDX1-related disorder. Also called: PDX1-related condition; PDX1-related disorders.

Submission:

PreventionGenetics, part of Exact Sciences
Classification: Likely pathogenic for PDX1-related condition. Last evaluated: 2023-05-05. Review status: criteria provided, single submitter. Criteria: ACMG Guidelines, 2015. Collection method: clinical testing. Allele origin: germline.
Comment: The PDX1 c.653delG variant is predicted to result in a frameshift and premature protein termination (p.Gly218Alafs*12). To our knowledge, this nucleotide variant has not been reported in the literature or in a large population database, indicating this variant is rare. However, a different nucleotide deletion resulting in the same protein effect (c.651delT, p.Gly218Alafs*12) has been reported in several cohorts of individuals with type 2 diabetes phenotypes as a risk factor variant (Steinthorsdottir et al. 2014. PubMed ID: 24464100; Okura et al. 2022. PubMed ID: 36718853). Frameshift variants in PDX1 are expected to be pathogenic. Taken together, this variant is interpreted as likely pathogenic.